The following is an entry in ClinVar:

NM_016203.4(PRKAG2):c.1655A>C (p.Gln552Pro)

Gene: PRKAG2 (protein kinase AMP-activated non-catalytic subunit gamma 2; minus strand). Cytogenetic location: 7q36.1.
Variant type: single nucleotide variant.
Coding change: c.1655A>C on transcript NM_016203.4 (MANE Select); coding-DNA position 1655, A replaced by C.
Protein change: p.Gln552Pro; replaces glutamine 552 with proline.
Molecular consequence: missense variant.
Genome position (GRCh38, 1-based): chr7:151,560,547, T>G on the plus strand (A>C on the coding strand, the complement: PRKAG2 is on the minus strand). VCF-style: chr7-151560547-T-G. GRCh37 (hg19) VCF-style: chr7-151257633-T-G.
Other names: c.1523A>C, p.Gln508Pro (NM_001040633.2, NM_001407024.1); c.1280A>C, p.Gln427Pro (NM_001304527.2, NM_001407029.1); c.932A>C, p.Gln311Pro (NM_001304531.2, NM_001407034.1, NM_001407035.1 and 1 more transcripts); c.1283A>C, p.Gln428Pro (NM_001363698.2, NM_001407028.1); c.1655A>C, p.Gln552Pro (NM_001407021.1); c.1652A>C, p.Gln551Pro (NM_001407022.1, NM_001407023.1); c.1520A>C, p.Gln507Pro (NM_001407026.1, NM_001407027.1); c.1367A>C, p.Gln456Pro (NM_001407030.1); and 6 more; short protein forms Q310P, Q311P, Q327P, Q331P, Q427P, Q428P, Q444P, Q446P.
Identifiers: ClinVar variation 3345872 (VCV003345872.1).
Genomic context (GRCh38, chr7:151,560,547, plus strand): 5'-AGACGCCGATGGCAAAGGTCAGAAACCAGCATTTTACCTGCTGGTGTGAGGATCAGGGCT[T>G]GCAGAATGTCCGACAGGGAAATAATACCCACAATACTATCTGCTTCATTTACCACCACCA-3'
Protein context (NP_057287.2, residues 542-562): VGIISLSDIL[Gln552Pro]ALILTPAGAK

ClinVar aggregate classification (germline): Uncertain significance (0 of 4 stars; one submission).

Conditions:
PRKAG2-related disorder. Also called: PRKAG2-related condition; PRKAG2-related disorders.

Submission:

PreventionGenetics, part of Exact Sciences
Classification: Uncertain significance for PRKAG2-related condition. Last evaluated: 2024-08-27. Review status: no assertion criteria provided. Collection method: clinical testing. Allele origin: germline.
Comment: The PRKAG2 c.1655A>C variant is predicted to result in the amino acid substitution p.Gln552Pro. To our knowledge, this variant has not been reported in the literature or in a large population database, indicating this variant is rare. At this time, the clinical significance of this variant is uncertain due to the absence of conclusive functional and genetic evidence.